The following is an entry in ClinVar:

NM_004168.4(SDHA):c.1591G>C (p.Val531Leu)

Gene: SDHA (succinate dehydrogenase complex flavoprotein subunit A; plus strand). Cytogenetic location: 5p15.33.
Variant type: single nucleotide variant.
Coding change: c.1591G>C on transcript NM_004168.4 (MANE Select); coding-DNA position 1591, G replaced by C.
Protein change: p.Val531Leu; replaces valine 531 with leucine.
Molecular consequence: missense variant. On other transcripts: intron variant (1).
Genome position (GRCh38, 1-based): chr5:251,031, G>C. VCF-style: chr5-251031-G-C. GRCh37 (hg19) VCF-style: chr5-251146-G-C.
Other names: c.1447G>C, p.Val483Leu (NM_001294332.2); c.1552-3362G>C (NM_001330758.2); c.1591G>C (NM_004168.2); short protein forms V483L, V531L.
Identifiers: ClinVar variation 3240433 (VCV003240433.2), dbSNP rs371056571.

ClinVar aggregate classification (germline): Uncertain significance. Review status: criteria provided, multiple submitters, no conflicts (2 of 4 stars). 2 submissions from 2 submitters: Uncertain significance (2). Last evaluated 2024-06-03.

Conditions:
Dilated cardiomyopathy 1GG (CMD1GG). Identifiers: Orphanet 154, MedGen C3150898, MONDO:0013339, OMIM 613642.
Hereditary cancer-predisposing syndrome. Also called: Neoplastic Syndromes, Hereditary; Tumor predisposition; Hereditary neoplastic syndrome; Hereditary Cancer Syndrome. Identifiers: Orphanet 140162, MedGen C0027672, MeSH D009386, MONDO:0015356.

Submissions (2):

Ambry Genetics
Classification: Uncertain significance for Hereditary cancer-predisposing syndrome. Last evaluated: 2024-06-03. Review status: criteria provided, single submitter. Criteria: Ambry Variant Classification Scheme 2023. Collection method: clinical testing. Allele origin: germline.
Comment: The p.V531L variant (also known as c.1591G>C), located in coding exon 12 of the SDHA gene, results from a G to C substitution at nucleotide position 1591. The valine at codon 531 is replaced by leucine, an amino acid with highly similar properties. This amino acid position is highly conserved in available vertebrate species. In addition, the in silico prediction for this alteration is inconclusive. Based on the available evidence, the clinical significance of this variant remains unclear.

Baylor Genetics
Classification: Uncertain significance for Dilated cardiomyopathy 1GG. Last evaluated: 2024-01-24. Review status: criteria provided, single submitter. Criteria: ACMG Guidelines, 2015. Collection method: clinical testing. Allele origin: unknown.